The following is an entry in ClinVar:

ClinVar aggregate classification (germline): Uncertain significance (1 of 4 stars; one submission).

Allele frequency attached by ClinVar (database versions not stated): gnomAD exomes below 0.00001.
gnomAD v4.1: 6 of 1,610,998 alleles (0.00037%); highest among the groups gnomAD compares: Non-Finnish European, 0.00051%; no homozygotes.

Submission:

Labcorp Genetics (formerly Invitae), Labcorp
Classification: Uncertain significance. Last evaluated: 2024-12-02. Review status: criteria provided, single submitter. Criteria: Invitae Variant Classification Sherloc (09022015). Collection method: clinical testing. Allele origin: germline.
Comment: This sequence change replaces glutamic acid, which is acidic and polar, with lysine, which is basic and polar, at codon 1338 of the DSCAML1 protein (p.Glu1338Lys). The frequency data for this variant in the population databases is considered unreliable, as metrics indicate poor data quality at this position in the gnomAD database. This variant has not been reported in the literature in individuals affected with DSCAML1-related conditions. ClinVar contains an entry for this variant (Variation ID: 2194572). An algorithm developed to predict the effect of missense changes on protein structure and function (PolyPhen-2) suggests that this variant is likely to be disruptive. In summary, the available evidence is currently insufficient to determine the role of this variant in disease. Therefore, it has been classified as a Variant of Uncertain Significance.

NM_020693.4(DSCAML1):c.3832G>A (p.Glu1278Lys)

Gene: DSCAML1 (DS cell adhesion molecule like 1; minus strand). Cytogenetic location: 11q23.3.
Variant type: single nucleotide variant.
Coding change: c.3832G>A on transcript NM_020693.4 (MANE Select); coding-DNA position 3832, G replaced by A.
Protein change: p.Glu1278Lys; replaces glutamic acid 1278 with lysine.
Molecular consequence: missense variant.
Genome position (GRCh38, 1-based): chr11:117,443,916, C>T on the plus strand (G>A on the coding strand, the complement: DSCAML1 is on the minus strand). VCF-style: chr11-117443916-C-T. GRCh37 (hg19) VCF-style: chr11-117314632-C-T.
Other names: short protein forms E1278K.
Identifiers: ClinVar variation 2194572 (VCV002194572.4), dbSNP rs1402599991, ClinGen allele CA382761861.
Genomic context (GRCh38, chr11:117,443,916, plus strand): 5'-GCCCCTCTGCCACAGCCTCAGGCTTCTCACCCTTGCCAGCAGGCTCGATGGTCACCTTCT[C>T]GCTGCTGTTGCCCCGGCCGGCAGAGGTGACGGCGGCCACCCACAGCAGATACTGCTGACC-3'
Protein context (NP_065744.3, residues 1268-1288): VTSAGRGNSS[Glu1278Lys]KVTIEPAGKA